The following is an entry in ClinVar:

ClinVar aggregate classification (germline): Pathogenic. Review status: reviewed by expert panel (3 of 4 stars). 2 submissions from 2 submitters: Pathogenic (1). 1 of the submissions does not count toward it. Last evaluated 2016-09-08.

Conditions:
BRCA1-related disorder. Also called: BRCA1-related condition.
Breast-ovarian cancer, familial, susceptibility to, 1 (BROVCA1). Also called: BRCA1 Hereditary Breast and Ovarian Cancer; OVARIAN CANCER, SUSCEPTIBILITY TO. Identifiers: Orphanet 145, MedGen C2676676, MONDO:0011450, OMIM 604370. Disease mechanism: loss of function.

Allele frequency attached by ClinVar (database versions not stated): gnomAD exomes below 0.00001; ExAC 0.00001; gnomAD 0.00001.

Submissions (2):

Evidence-based Network for the Interpretation of Germline Mutant Alleles (ENIGMA)
Classification: Pathogenic for Breast-ovarian cancer, familial, susceptibility to, 1. Last evaluated: 2016-09-08. Review status: reviewed by expert panel. Criteria: ENIGMA BRCA1/2 Classification Criteria (2015). Collection method: curation. Allele origin: germline.
Comment: Variant allele predicted to encode a truncated non-functional protein.

PreventionGenetics, part of Exact Sciences
Classification: Pathogenic for BRCA1-related condition. Last evaluated: 2024-05-17. Review status: no assertion criteria provided. Collection method: clinical testing. Allele origin: germline. Not counted in ClinVar's aggregate classification.
Comment: The BRCA1 c.1650dupT variant is predicted to result in premature protein termination (p.Ser551*). To our knowledge, this variant has not been reported in the literature. This variant is reported in 0.0033% of alleles in individuals of South Asian descent in gnomAD and is documented in the ClinVar database as pathogenic by Evidence-based Network for the Interpretation of Germline Mutant Alleles (ENIGMA). Nonsense variants in BRCA1 are expected to be pathogenic. This variant is interpreted as pathogenic.

NM_007294.4(BRCA1):c.1650dup (p.Ser551Ter)

Gene: BRCA1 (BRCA1 DNA repair associated; minus strand). Cytogenetic location: 17q21.31.
Variant type: Duplication.
Coding change: c.1650dup on transcript NM_007294.4 (MANE Select); coding-DNA position 1650, one base duplicated (T; older notation c.1650dupT).
Protein change: p.Ser551Ter; replaces serine 551 with a stop codon.
Molecular consequence: nonsense. On other transcripts: frameshift variant (1), intron variant (137).
Genome position (GRCh38, 1-based): chr17:43,093,881, A duplicated on the plus strand (T on the coding strand, the reverse complement: BRCA1 is on the minus strand). VCF-style (leftmost placement, unchanged base first): chr17-43093880-T-TA. GRCh37 (hg19) VCF-style: chr17-41245897-T-TA.
Other names: c.1650dupT (NM_007294.3); c.1437dup, p.Ser480Ter (NM_001407571.1, NM_001407853.1, NM_001407894.1 and 9 more transcripts); c.1650dup, p.Ser551Ter (NM_001407581.1, NM_001407582.1, NM_001407583.1 and 30 more transcripts); c.1647dup, p.Ser550Ter (NM_001407587.1, NM_001407590.1, NM_001407591.1 and 22 more transcripts); c.1641dup, p.Ser548Ter (NM_001407646.1, NM_001407647.1); c.1527dup, p.Ser510Ter (NM_001407648.1, NM_001407664.1, NM_001407665.1 and 19 more transcripts); c.1524dup, p.Ser509Ter (NM_001407649.1, NM_001407670.1, NM_001407671.1 and 11 more transcripts); c.1572dup, p.Ser525Ter (NM_001407653.1, NM_001407654.1, NM_001407655.1 and 4 more transcripts); and 41 more; short protein forms S551*, S504*, S481*, S483*, S484*, S509*, S510*, S255*.
Identifiers: ClinVar variation 254396 (VCV000254396.4), dbSNP rs753524038, ClinGen allele CA8589952.